The following is an entry in ClinVar:

ClinVar aggregate classification (germline): Uncertain significance. Review status: criteria provided, multiple submitters, no conflicts (2 of 4 stars). 2 submissions from 2 submitters: Uncertain significance (2). Last evaluated 2023-03-30.

Conditions:
RASopathy. Also called: rasopathies; Noonan spectrum disorder. Identifiers: Orphanet 536391, MedGen C5555857, MONDO:0021060.

Allele frequency attached by ClinVar (database versions not stated): gnomAD 0.00001; TOPMed 0.00001.
gnomAD v4.1: 3 of 1,614,056 alleles (0.00019%); highest among the groups gnomAD compares: African/African-American, 0.0027%; no homozygotes.

Submissions (2):

Labcorp Genetics (formerly Invitae), Labcorp
Classification: Uncertain significance for RASopathy. Last evaluated: 2023-03-30. Review status: criteria provided, single submitter. Criteria: Invitae Variant Classification Sherloc (09022015). Collection method: clinical testing. Allele origin: germline.
Comment: In summary, the available evidence is currently insufficient to determine the role of this variant in disease. Therefore, it has been classified as a Variant of Uncertain Significance. Advanced modeling of protein sequence and biophysical properties (such as structural, functional, and spatial information, amino acid conservation, physicochemical variation, residue mobility, and thermodynamic stability) performed at Invitae indicates that this missense variant is expected to disrupt RAF1 protein function. ClinVar contains an entry for this variant (Variation ID: 503547). This variant has not been reported in the literature in individuals affected with RAF1-related conditions. This variant is not present in population databases (gnomAD no frequency). This sequence change replaces lysine, which is basic and polar, with arginine, which is basic and polar, at codon 179 of the RAF1 protein (p.Lys179Arg).

Laboratory for Molecular Medicine, Mass General Brigham Personalized Medicine
Classification: Uncertain significance. Last evaluated: 2018-03-01. Review status: criteria provided, single submitter. Criteria: LMM Criteria. Collection method: clinical testing. Allele origin: germline.
Comment: Disclaimer: This variant has not undergone full assessment. The following are preliminary notes: 3:12650310 T / C not in GnomAD with good coverage; not in HGMD, ClinVar or Google search; predicted benign by polyphen ; conserved; not in every transcript

NM_002880.4(RAF1):c.536A>G (p.Lys179Arg)

Gene: RAF1 (Raf-1 proto-oncogene, serine/threonine kinase; minus strand). Cytogenetic location: 3p25.2.
Variant type: single nucleotide variant.
Coding change: c.536A>G on transcript NM_002880.4 (MANE Select); coding-DNA position 536, A replaced by G.
Protein change: p.Lys179Arg; replaces lysine 179 with arginine.
Molecular consequence: missense variant. On other transcripts: non-coding transcript variant (3).
Genome position (GRCh38, 1-based): chr3:12,608,811, T>C on the plus strand (A>G on the coding strand, the complement: RAF1 is on the minus strand). VCF-style: chr3-12608811-T-C. GRCh37 (hg19) VCF-style: chr3-12650310-T-C.
Other names: c.536A>G, p.Lys179Arg (NM_001354689.3, NM_001354690.3, NM_001354693.3); c.293A>G, p.Lys98Arg (NM_001354691.3, NM_001354692.3, NM_001354694.3 and 1 more transcripts); short protein forms K179R, K98R.
Identifiers: ClinVar variation 503547 (VCV000503547.7), dbSNP rs1271531726, ClinGen allele CA351516631.
Genomic context (GRCh38, chr3:12,608,811, plus strand): 5'-AGAACAATGCCTTACAAGAGTTGTCTGATGTTACTCCAGTCCACACACATAGTAGGTACT[T>C]TGGTGCTACAGTGCTCATGAAATTTGTAGCCACAAGTCTGACATCGAAATCCATTGAGCA-3'
Protein context (NP_002871.1, residues 169-189): GYKFHEHCST[Lys179Arg]VPTMCVDWSN